The following is an entry in ClinVar:

NM_001267550.2(TTN):c.59350C>T (p.Pro19784Ser)

Genes: TTN (titin; minus strand), TTN-AS1 (TTN antisense RNA 1; plus strand), LOC126806424 (CDK7 strongly-dependent group 2 enhancer GRCh37_chr2:179456337-179457536; plus strand). Cytogenetic location: 2q31.2.
Variant type: single nucleotide variant.
Coding change: c.59350C>T on transcript NM_001267550.2 (MANE Select); coding-DNA position 59350, C replaced by T.
Protein change: p.Pro19784Ser; replaces proline 19784 with serine.
Molecular consequence: missense variant.
Genome position (GRCh38, 1-based): chr2:178,592,655, G>A on the plus strand (C>T on the coding strand, the complement: TTN is on the minus strand). VCF-style: chr2-178592655-G-A. GRCh37 (hg19) VCF-style: chr2-179457382-G-A.
Other names: c.54427C>T, p.Pro18143Ser (NM_001256850.1); c.32155C>T, p.Pro10719Ser (NM_003319.4); c.51646C>T, p.Pro17216Ser (NM_133378.4); c.32530C>T, p.Pro10844Ser (NM_133432.3); c.32731C>T, p.Pro10911Ser (NM_133437.4); short protein forms P10719S, P10844S, P10911S, P17216S, P18143S, P19784S.
Identifiers: ClinVar variation 3389127 (VCV003389127.14).

ClinVar aggregate classification (germline): Uncertain significance (1 of 4 stars; one submission).

gnomAD v4.1: 4 of 1,612,752 alleles (0.00025%); highest among the groups gnomAD compares: Non-Finnish European, 0.00034%; no homozygotes.

Submission:

CeGaT Center for Human Genetics Tuebingen
Classification: Uncertain significance. Last evaluated: 2024-11-01. Review status: criteria provided, single submitter. Criteria: CeGaT Center For Human Genetics Tuebingen Variant Classification Criteria Version 2. Collection method: clinical testing. Allele origin: germline. Affected: yes. Observed: 1 variant allele.
Comment: TTN: PM2